The following is an entry in ClinVar:

ClinVar aggregate classification (germline): Conflicting classifications of pathogenicity. Review status: criteria provided, conflicting classifications (1 of 4 stars). 12 submissions from 12 submitters: Uncertain significance (7); Likely benign (3). 2 of the submissions do not count toward it. Last evaluated 2026-04-20.

Conditions:
BRCA2-related disorder. Also called: BRCA2-related condition; BRCA2-related disorders. Identifiers: MedGen CN239275.
Hereditary cancer-predisposing syndrome. Also called: Hereditary Cancer Syndrome; Neoplastic Syndromes, Hereditary; Hereditary neoplastic syndrome; Tumor predisposition. Identifiers: Orphanet 140162, MedGen C0027672, MeSH D009386, MONDO:0015356.
Hereditary breast ovarian cancer syndrome. Also called: Hereditary breast and ovarian cancer syndrome; Breast and ovarian cancer; BRCA1- and BRCA2-Associated Hereditary Breast and Ovarian Cancer; Hereditary breast and/or ovarian cancer syndrome; Hereditary breast and ovarian cancer; Hereditary breast and ovarian cancer syndrome (HBOC). Identifiers: Orphanet 145, MedGen C0677776, MeSH D061325, MONDO:0003582. Disease mechanism: loss of function.
Breast-ovarian cancer, familial, susceptibility to, 2 (BROVCA2). Also called: BRCA2 Hereditary Breast and Ovarian Cancer. Identifiers: Orphanet 145, MedGen C2675520, MONDO:0012933, OMIM 612555. Disease mechanism: loss of function.

Allele frequency attached by ClinVar (database versions not stated): gnomAD exomes below 0.00001; ExAC 0.00001; gnomAD 0.00001 and 0.00002; TOPMed 0.00002; ESP Exome Variant Server 0.00008.
gnomAD v4.1: 5 of 1,594,324 alleles (0.00031%); highest among the groups gnomAD compares: Non-Finnish European, 0.00043%; no homozygotes.

Submissions (12):

PreventionGenetics, part of Exact Sciences
Classification: Uncertain significance for BRCA2-related condition. Last evaluated: 2026-04-20. Review status: criteria provided, single submitter. Criteria: ACMG Guidelines, 2015. Collection method: clinical testing. Allele origin: germline.
Comment: The BRCA2 c.6434A>G variant is predicted to result in the amino acid substitution p.Asn2145Ser. This variant has been reported in individuals in the breast cancer information core (BIC) database (Szabo et al. 2000. PubMed ID: 10923033; Breast Cancer Association Consortium et al. 2021. PubMed ID: 33471991). It has not been observed in a large population database (gnomAD), indicating this variant is rare and has conflicting interpretations in ClinVar ranging from likely benign to uncertain (Variation ID: 52094). At this time, the clinical significance of this variant is uncertain due to the absence of conclusive functional and genetic evidence.

Labcorp Genetics (formerly Invitae), Labcorp
Classification: Uncertain significance for Hereditary breast ovarian cancer syndrome. Last evaluated: 2025-11-25. Review status: criteria provided, single submitter. Criteria: Invitae Variant Classification Sherloc (09022015). Collection method: clinical testing. Allele origin: germline.
Comment: This sequence change replaces asparagine, which is neutral and polar, with serine, which is neutral and polar, at codon 2145 of the BRCA2 protein (p.Asn2145Ser). This variant is present in population databases (rs80358878, gnomAD 0.0009%). This missense change has been observed in individual(s) with BRCA2-related conditions (PMID: 10923033). ClinVar contains an entry for this variant (Variation ID: 52094). Invitae Evidence Modeling of protein sequence and biophysical properties (such as structural, functional, and spatial information, amino acid conservation, physicochemical variation, residue mobility, and thermodynamic stability) indicates that this missense variant is not expected to disrupt BRCA2 protein function with a negative predictive value of 95%. In summary, the available evidence is currently insufficient to determine the role of this variant in disease. Therefore, it has been classified as a Variant of Uncertain Significance.

Color Diagnostics, LLC DBA Color Health
Classification: Uncertain significance for Hereditary cancer-predisposing syndrome. Last evaluated: 2025-08-04. Review status: criteria provided, single submitter. Criteria: ACMG Guidelines, 2015. Collection method: clinical testing. Allele origin: germline.
Comment: This missense variant replaces asparagine with serine at codon 2145 of the BRCA2 protein. Computational prediction suggests that this variant may not impact protein structure and function. To our knowledge, functional studies have not been reported for this variant. This variant has been detected in a breast cancer case-control meta-analysis in 2/60466 cases and 0/53461 unaffected individuals (PMID: 33471991Leiden Open Variation Database DB-ID BRCA2_003373). Multifactorial analysis has reached a combined likelihood ratio (LR) of 1.053 based on reported LR for co-occurrence with a pathogenic variant and personal and family history for 2 carriers (PMID: 31131967, 31853058). This variant has been identified in 1/226590 chromosomes in the general population by the Genome Aggregation Database (gnomAD). The available evidence is insufficient to determine the role of this variant in disease conclusively. Therefore, this variant is classified as a Variant of Uncertain Significance.

Molecular Diagnostics Laboratory, Catalan Institute of Oncology
Classification: Likely benign for Hereditary cancer-predisposing syndrome. Last evaluated: 2025-06-16. Review status: criteria provided, single submitter. Criteria: ClinGen BRCA1BRCA2 ACMG Specifications BRCA2 V1.0.0. Collection method: clinical testing. Allele origin: germline.
Comment: PM2_Supporting, BP1_Strong c.6434A>G located in exon 11 of the BRCA2 gene, is predicted to result in the substitution of asparagine by serine at codon 2145, p.(Asn2145Ser). This position is outside a (potentially) clinically important functional domain and the SpliceAI algorithm predicts no significant impact on splicing (BP1_Strong).It is not present in the population database gnomAD v2.1.1, exome non-cancer dataset (PM2_Supporting). To our knowledge, functional studies have not been reported for this variant. This variant has been reported in the ClinVar (7x uncertain significance, 2x likely benign) and in BRCA Exchange database as not yet reviewed and in the LOVD database (1x not classified). Based on currently available information, the variant c.6434A>G is classified as a likely benign variant according to ClinGen-BRCA1 and BRCA2 Guidelines version 1.0.0.

Quest Diagnostics Nichols Institute San Juan Capistrano
Classification: Uncertain significance. Last evaluated: 2025-04-14. Review status: criteria provided, single submitter. Criteria: Quest Diagnostics criteria. Collection method: clinical testing. Allele origin: unknown.
Comment: The BRCA2 c.6434A>G (p.Asn2145Ser) variant has been reported in the published literature in individuals with breast cancer (PMID: 33471991 (2021), see also LOVD). This variant is reported to be located in a region of the BRCA2 gene that is tolerant to missense sequence changes (PMID: 31911673 (2020)). The frequency of this variant in the general population (Genome Aggregation Database) is uninformative in the assessment of its pathogenicity. Analysis of this variant using bioinformatics tools for the prediction of the effect of amino acid changes on protein structure and function yielded predictions that this variant is benign. Based on the available information, we are unable to determine the clinical significance of this variant.

Myriad Genetics, Inc.
Classification: Likely benign for Breast-ovarian cancer, familial, susceptibility to, 2. Last evaluated: 2024-04-02. Review status: criteria provided, single submitter. Criteria: Myriad Autosomal Dominant, Autosomal Recessive and X-Linked Classification Criteria (2023). Collection method: clinical testing. Allele origin: unknown.
Comment: This variant is considered likely benign. This variant is strongly associated with less severe personal and family histories of cancer, typical for individuals without pathogenic variants in this gene [PMID: 25085752].

Ambry Genetics
Classification: Uncertain significance for Hereditary cancer-predisposing syndrome. Last evaluated: 2023-12-18. Review status: criteria provided, single submitter. Criteria: Ambry Variant Classification Scheme 2023. Collection method: clinical testing. Allele origin: germline.
Comment: The p.N2145S variant (also known as c.6434A>G), located in coding exon 10 of the BRCA2 gene, results from an A to G substitution at nucleotide position 6434. The asparagine at codon 2145 is replaced by serine, an amino acid with highly similar properties. This amino acid position is not well conserved in available vertebrate species. In addition, this alteration is predicted to be tolerated by in silico analysis. Since supporting evidence is limited at this time, the clinical significance of this alteration remains unclear.

All of Us Research Program, National Institutes of Health
Classification: Uncertain significance for Breast-ovarian cancer, familial, susceptibility to, 2. Last evaluated: 2023-10-06. Review status: criteria provided, single submitter. Criteria: ACMG Guidelines, 2015. Collection method: clinical testing. Allele origin: germline. Inheritance: Autosomal dominant inheritance. Observed: 2 variant alleles, 2 heterozygotes.
Comment: This missense variant replaces asparagine with serine at codon 2145 of the BRCA2 protein. Computational prediction suggests that this variant may not impact protein structure and function (internally defined REVEL score threshold <= 0.5, PMID: 27666373). To our knowledge, functional studies have not been reported for this variant. This variant has been reported in two individuals affected with breast cancer (PMID: 33471991; Leiden Open Variation Database DB-ID BRCA2_003373). This variant has been identified in 1/226590 chromosomes in the general population by the Genome Aggregation Database (gnomAD). The available evidence is insufficient to determine the role of this variant in disease conclusively. Therefore, this variant is classified as a Variant of Uncertain Significance.

This study involves interpretation of variants in research participants for the purpose of population health screening. Participant phenotype was not available at the time of variant classification. Additional details can be found in publication PMID: 35346344, PMCID: PMC8962531

University of Washington Department of Laboratory Medicine, University of Washington
Classification: Likely benign for Hereditary cancer-predisposing syndrome. Last evaluated: 2023-03-23. Review status: criteria provided, single submitter. Criteria: Dines et al. (Genet Med. 2020). Collection method: curation. Allele origin: germline.
Comment: Missense variant in a coldspot region where missense variants are very unlikely to be pathogenic (PMID:31911673).

BRCA2 exon 11 coldspot. Reclassification based on statistical prior probability.

GeneDx
Classification: Uncertain significance. Last evaluated: 2014-12-22. Review status: criteria provided, single submitter. Criteria: GeneDx Variant Classification (06012015). Collection method: clinical testing. Allele origin: germline. Affected: yes.
Comment: This variant is denoted BRCA2 c.6434A>G at the cDNA level, p.Asn2145Ser (N2145S) at the protein level, and results in the change of an Asparagine to a Serine (AAT>AGT). This variant, also known as c.6662A>G using alternate nomenclature, has not, to our knowledge, been published in the literature as pathogenic or benign. BRCA2 Asn2145Ser was not observed at a significant allele frequency in the NHLBI Exome Sequencing Project. Since Asparagine and Serine share similar properties, this is considered a conservative amino acid substitution. BRCA2 Asn2145Ser occurs at a position that is moderately conserved across species and is not located in a known functional domain. In silico analyses predict that this variant is unlikely to alter protein structure or function. Based on currently available information, it is unclear whether BRCA2 Asn2145Ser is pathogenic or benign. We consider it to be a variant of uncertain significance.

Sharing Clinical Reports Project (SCRP)
Classification: Uncertain significance for Breast-ovarian cancer, familial 2. Last evaluated: 2011-12-14. Review status: no assertion criteria provided. Collection method: clinical testing. Allele origin: germline. Not counted in ClinVar's aggregate classification.

Breast Cancer Information Core (BIC) (BRCA2)
Classification: Uncertain significance for Breast-ovarian cancer, familial 2. Last evaluated: 2004-02-20. Review status: no assertion criteria provided. Collection method: clinical testing. Allele origin: germline. Affected: yes. Observed: 3 variant alleles. Not counted in ClinVar's aggregate classification.

Literature cited by the submitters: PubMed 10923033 (cited by Labcorp Genetics (formerly Invitae), Labcorp); PubMed 31131967 (cited by Color Diagnostics, LLC DBA Color Health); PubMed 31853058 (cited by Color Diagnostics, LLC DBA Color Health); PubMed 33471991 (cited by 3 submitters); PubMed 31911673 (cited by Quest Diagnostics Nichols Institute San Juan Capistrano); PubMed 25085752 (cited by Myriad Genetics, Inc.).

NM_000059.4(BRCA2):c.6434A>G (p.Asn2145Ser)

Gene: BRCA2 (BRCA2 DNA repair associated; plus strand). Cytogenetic location: 13q13.1.
Variant type: single nucleotide variant.
Coding change: c.6434A>G on transcript NM_000059.4 (MANE Select); coding-DNA position 6434, A replaced by G.
Protein change: p.Asn2145Ser; replaces asparagine 2145 with serine.
Molecular consequence: missense variant.
Genome position (GRCh38, 1-based): chr13:32,340,789, A>G. VCF-style: chr13-32340789-A-G. GRCh37 (hg19) VCF-style: chr13-32914926-A-G.
Other names: p.N2145S:AAT>AGT; 6662A>G; short protein forms N2145S.
Identifiers: ClinVar variation 52094 (VCV000052094.33), dbSNP rs80358878, ClinGen allele CA024030.